The following is an entry in ClinVar:

ClinVar aggregate classification (germline): Uncertain significance (1 of 4 stars; one submission).

Conditions:
Inborn genetic diseases. Identifiers: MedGen C0950123, MeSH D030342.

Allele frequency attached by ClinVar (database versions not stated): TOPMed below 0.00001.

Submission:

Ambry Genetics
Classification: Uncertain significance for Inborn genetic diseases. Last evaluated: 2024-05-05. Review status: criteria provided, single submitter. Criteria: Ambry Variant Classification Scheme 2023. Collection method: clinical testing. Allele origin: germline.
Comment: The p.R415M variant (also known as c.1244G>T), located in coding exon 10 of the ACD gene, results from a G to T substitution at nucleotide position 1244. The arginine at codon 415 is replaced by methionine, an amino acid with similar properties. This amino acid position is conserved. In addition, this alteration is predicted to be tolerated by in silico analysis. Since supporting evidence is limited at this time, the clinical significance of this alteration remains unclear.

NM_001082486.2(ACD):c.986G>T (p.Arg329Met)

Gene: ACD (ACD shelterin complex subunit and telomerase recruitment factor; minus strand). Cytogenetic location: 16q22.1.
Variant type: single nucleotide variant.
Coding change: c.986G>T on transcript NM_001082486.2 (MANE Select); coding-DNA position 986, G replaced by T.
Protein change: p.Arg329Met; replaces arginine 329 with methionine.
Molecular consequence: missense variant.
Genome position (GRCh38, 1-based): chr16:67,658,206, C>A on the plus strand (G>T on the coding strand, the complement: ACD is on the minus strand). VCF-style: chr16-67658206-C-A. GRCh37 (hg19) VCF-style: chr16-67692109-C-A.
Other names: c.899G>T, p.Arg300Met (NM_001410884.1); c.977G>T, p.Arg326Met (NM_022914.3); short protein forms R326M, R329M, R300M.
Identifiers: ClinVar variation 1759154 (VCV001759154.3), dbSNP rs2052914821, ClinGen allele CA396352582.